The following is an entry in ClinVar:

ClinVar aggregate classification (germline): Uncertain significance (1 of 4 stars; one submission).

Allele frequency attached by ClinVar (database versions not stated): gnomAD exomes below 0.00001; ExAC 0.00002.
gnomAD v4.1: 2 of 1,614,184 alleles (0.00012%); highest among the groups gnomAD compares: Non-Finnish European, 0.00017%; no homozygotes.

Submission:

Labcorp Genetics (formerly Invitae), Labcorp
Classification: Uncertain significance. Last evaluated: 2022-07-19. Review status: criteria provided, single submitter. Criteria: Invitae Variant Classification Sherloc (09022015). Collection method: clinical testing. Allele origin: germline.
Comment: In summary, the available evidence is currently insufficient to determine the role of this variant in disease. Therefore, it has been classified as a Variant of Uncertain Significance. Algorithms developed to predict the effect of missense changes on protein structure and function are either unavailable or do not agree on the potential impact of this missense change (SIFT: "Not Available"; PolyPhen-2: "Benign"; Align-GVGD: "Not Available"). This variant has not been reported in the literature in individuals affected with UNC80-related conditions. This variant is present in population databases (rs777675628, gnomAD 0.002%). This sequence change replaces serine, which is neutral and polar, with isoleucine, which is neutral and non-polar, at codon 165 of the UNC80 protein (p.Ser165Ile).

NM_001371986.1(UNC80):c.494G>T (p.Ser165Ile)

Gene: UNC80 (unc-80 subunit of NALCN channel complex; plus strand). Cytogenetic location: 2q34.
Variant type: single nucleotide variant.
Coding change: c.494G>T on transcript NM_001371986.1 (MANE Select); coding-DNA position 494, G replaced by T.
Protein change: p.Ser165Ile; replaces serine 165 with isoleucine.
Molecular consequence: missense variant.
Genome position (GRCh38, 1-based): chr2:209,777,453, G>T. VCF-style: chr2-209777453-G-T. GRCh37 (hg19) VCF-style: chr2-210642177-G-T.
Other names: c.494G>T, p.Ser165Ile (NM_032504.2, NM_182587.4); short protein forms S165I.
Identifiers: ClinVar variation 1956659 (VCV001956659.5), dbSNP rs777675628, ClinGen allele CA2082749.